The following is an entry in ClinVar:

ClinVar aggregate classification (germline): Benign. Review status: criteria provided, single submitter (1 of 4 stars). 2 submissions from 2 submitters: Benign (1). 1 of the submissions does not count toward it. Last evaluated 2025-11-16.

Conditions:
KRT10-related disorder. Also called: KRT10-related condition.

Submissions (2):

Labcorp Genetics (formerly Invitae), Labcorp
Classification: Benign. Last evaluated: 2025-11-16. Review status: criteria provided, single submitter. Criteria: Invitae Variant Classification Sherloc (09022015). Collection method: clinical testing. Allele origin: germline.

PreventionGenetics, part of Exact Sciences
Classification: Likely benign for KRT10-related condition. Last evaluated: 2024-02-20. Review status: no assertion criteria provided. Collection method: clinical testing. Allele origin: germline. Not counted in ClinVar's aggregate classification.
Comment: This variant is classified as likely benign based on ACMG/AMP sequence variant interpretation guidelines (Richards et al. 2015 PMID: 25741868, with internal and published modifications).

NM_000421.5(KRT10):c.1520_1521insCTACGGGGGCGG (p.Gly507_Ser508insTyrGlyGlyGly)

Gene: KRT10 (keratin 10; minus strand). Cytogenetic location: 17q21.2.
Variant type: Insertion.
Coding change: c.1520_1521insCTACGGGGGCGG on transcript NM_000421.5 (MANE Select); coding-DNA positions 1520 to 1521, CTACGGGGGCGG inserted.
Protein change: p.Gly507_Ser508insTyrGlyGlyGly.
Molecular consequence: inframe insertion.
Genome position: GRCh38 VCF-style: chr17-40819014-T-TCCGCCCCCGTAG. GRCh37 (hg19) VCF-style: chr17-38975266-T-TCCGCCCCCGTAG.
Other names: c.1520_1521insCTACGGGGGCGG, p.Gly507_Ser508insTyrGlyGlyGly (NM_001379366.1); c.1520_1521insCTACGGGGGCGG (NM_000421.3).
Identifiers: ClinVar variation 1581336 (VCV001581336.10), dbSNP rs1167464133, ClinGen allele CA8547990.
Genomic context (GRCh38, chr17:40,819,014, plus strand): 5'-GCTGGAACTGCCGCCGTGGCCGCCGCTGGAGCTTCCGCCCCCGTAGCCGCCGCCGGAGCT[T>TCCGCCCCCGTAG]CCGCCGCCGGAGCTTCCGCCTCCGTAGCCGCCGCCGGAACTGCCGCCGTGGCCGCCGCCG-3'